The following is an entry in ClinVar:

NC_000023.10:g.(?_152959003)_(152959194_?)del

Gene: SLC6A8 (solute carrier family 6 member 8; plus strand). Cytogenetic location: Xq28.
Variant type: Deletion.
Identifiers: ClinVar variation 3244882 (VCV003244882.1).

ClinVar aggregate classification (germline): Likely pathogenic (1 of 4 stars; one submission).

Conditions:
Creatine transporter deficiency (CCDS1). Also called: CEREBRAL CREATINE DEFICIENCY SYNDROME 1; Mental retardation , X-linked with seizures, short stature and midface hypoplasia; Mental retardation , X-linked, with creatine transport deficiency; X-linked creatine transporter deficiency; X-linked creatine deficiency syndrome; SLC6A8-Related Creatine Transporter Deficiency. Identifiers: Orphanet 52503, MedGen C1845862, MONDO:0010305, OMIM 300352.

Submission:

Labcorp Genetics (formerly Invitae), Labcorp
Classification: Likely pathogenic for Creatine transporter deficiency. Last evaluated: 2023-08-04. Review status: criteria provided, single submitter. Criteria: Invitae Variant Classification Sherloc (09022015). Collection method: clinical testing. Allele origin: unknown.
Comment: This variant results in the deletion of part of exon 7 (c.1103_1141+153del) of the SLC6A8 gene. It is expected to disrupt RNA splicing. Variants that disrupt the donor or acceptor splice site typically lead to a loss of protein function (PMID: 16199547), and loss-of-function variants in SLC6A8 are known to be pathogenic (PMID: 22281021). This variant has not been reported in the literature in individuals affected with SLC6A8-related conditions. In summary, the currently available evidence indicates that the variant is pathogenic, but additional data are needed to prove that conclusively. Therefore, this variant has been classified as Likely Pathogenic.

Literature cited by the submitters: PubMed 16199547; PubMed 22281021.